The following is an entry in ClinVar:

NM_001112741.2(KCNC1):c.536T>C (p.Leu179Pro)

Gene: KCNC1 (potassium voltage-gated channel subfamily C member 1; plus strand). Cytogenetic location: 11p15.1.
Variant type: single nucleotide variant.
Coding change: c.536T>C on transcript NM_001112741.2 (MANE Select); coding-DNA position 536, T replaced by C.
Protein change: p.Leu179Pro; replaces leucine 179 with proline.
Molecular consequence: missense variant.
Genome position (GRCh38, 1-based): chr11:17,736,538, T>C. VCF-style: chr11-17736538-T-C. GRCh37 (hg19) VCF-style: chr11-17758085-T-C.
Other names: c.536T>C, p.Leu179Pro (NM_004976.4); short protein forms L179P.
Identifiers: ClinVar variation 4071937 (VCV004071937.1).

ClinVar aggregate classification (germline): Uncertain significance (1 of 4 stars; one submission).

Submission:

GeneDx
Classification: Uncertain significance. Last evaluated: 2025-01-28. Review status: criteria provided, single submitter. Criteria: GeneDx Variant Classification Process June 2021. Collection method: clinical testing. Allele origin: germline. Affected: yes.
Comment: Not observed at significant frequency in large population cohorts (gnomAD); In silico analysis supports that this missense variant has a deleterious effect on protein structure/function; Has not been previously published as pathogenic or benign to our knowledge